The following is an entry in ClinVar:

ClinVar aggregate classification (germline): Pathogenic. Review status: criteria provided, multiple submitters, no conflicts (2 of 4 stars). 2 submissions from 2 submitters: Pathogenic (2). Last evaluated 2025-08-01.

Conditions:
Meckel syndrome, type 6. Identifiers: Orphanet 564, MedGen C2676790, MONDO:0012848, OMIM 612284.
Joubert syndrome. Also called: JOUBERT-BOLTSHAUSER SYNDROME; Familial aplasia of the vermis. Identifiers: Orphanet 475, MedGen C5979921, MONDO:0018772.
Meckel-Gruber syndrome. Also called: DYSENCEPHALIA SPLANCHNOCYSTICA; GRUBER SYNDROME; Dysencephalia splachnocystica. Identifiers: Orphanet 564, MedGen C0265215, MONDO:0018921.

Submissions (2):

Labcorp Genetics (formerly Invitae), Labcorp
Classification: Pathogenic for Joubert syndrome; Meckel-Gruber syndrome. Last evaluated: 2025-08-01. Review status: criteria provided, single submitter. Criteria: Invitae Variant Classification Sherloc (09022015). Collection method: clinical testing. Allele origin: germline.
Comment: This sequence change creates a premature translational stop signal (p.Phe98*) in the CC2D2A gene. It is expected to result in an absent or disrupted protein product. Loss-of-function variants in CC2D2A are known to be pathogenic (PMID: 19777577). This variant is present in population databases (rs757807971, gnomAD 0.02%). This variant has not been reported in the literature in individuals affected with CC2D2A-related conditions. ClinVar contains an entry for this variant (Variation ID: 2691275). For these reasons, this variant has been classified as Pathogenic.

Women's Health and Genetics/Laboratory Corporation of America, LabCorp
Classification: Pathogenic for Meckel syndrome, type 6. Last evaluated: 2023-12-15. Review status: criteria provided, single submitter. Criteria: LabCorp Variant Classification Summary - May 2015. Collection method: clinical testing. Allele origin: germline.
Comment: Variant summary: CC2D2A c.293_299delTTTCCAT (p.Phe98X) results in a premature termination codon, predicted to cause a truncation of the encoded protein or absence of the protein due to nonsense mediated decay, which are commonly known mechanisms for disease. The variant allele was found at a frequency of 1.2e-05 in 245586 control chromosomes. To our knowledge, no occurrence of c.293_299delTTTCCAT in individuals affected with Meckel Syndrome Type 6 and no experimental evidence demonstrating its impact on protein function have been reported. No submitters have cited clinical-significance assessments for this variant to ClinVar after 2014. Based on the evidence outlined above, the variant was classified as pathogenic.

Literature cited by the submitters: PubMed 19777577 (cited by Labcorp Genetics (formerly Invitae), Labcorp).

NM_001378615.1(CC2D2A):c.293_299del (p.Glu97_Phe98insTer)

Genes: CC2D2A (coiled-coil and C2 domain containing 2A; plus strand), FBXL5 (F-box and leucine rich repeat protein 5; minus strand). Cytogenetic location: 4p15.32.
Variant type: Deletion.
Coding change: c.293_299del on transcript NM_001378615.1 (MANE Select); coding-DNA positions 293 to 299, 7 bases deleted (TTTCCAT; older notation c.293_299delTTTCCAT).
Protein change: p.Glu97_Phe98insTer.
Molecular consequence: nonsense.
Genome position (GRCh38, 1-based): chr4:15,502,474-15,502,480, TTTCCAT deleted; deleting any 7 consecutive bases within chr4:15,502,472-15,502,480 gives the same sequence; the c. name uses the placement nearest the transcript's 3' end. VCF-style (leftmost placement, unchanged base first): chr4-15502471-AATTTTCC-A. GRCh37 (hg19) VCF-style: chr4-15504094-AATTTTCC-A.
Other names: c.293_299del, p.Glu97_Phe98insTer (NM_001080522.2); c.146_152del, p.Glu48_Phe49insTer (NM_001378617.1); c.293_299delTTTCCAT (NM_001080522.2).
Identifiers: ClinVar variation 2691275 (VCV002691275.4), dbSNP rs757807971, ClinGen allele CA2863360.
Genomic context (GRCh38, chr4:15,502,471, plus strand): 5'-TTTGTTTTTGTTTTTTAGGCTTACCTCCAATTCCTTCAACTTCCAGAACAGGCTTTGCAG[AATTTTCC>A]ATGAGGGGACGCATGAGGGAGAAATTGCAAGCAGCGAGGGTGAGAGAAACCACATGAATA-3'